The following is an entry in ClinVar:

ClinVar aggregate classification (germline): Pathogenic (1 of 4 stars; one submission).

Conditions:
Chromosome 16p11.2 duplication syndrome. Identifiers: Orphanet 370079, MedGen C3553407, MONDO:0013847, OMIM 614671.

Submission:

Department of Prenatal Diagnosis, Henan Provincial People’s Hospital
Classification: Pathogenic for Chromosome 16p11.2 duplication syndrome. Last evaluated: 2026-11-25. Review status: criteria provided, single submitter. Criteria: ACMG/ClinGen CNV Guidelines, 2019. Collection method: research. Allele origin: germline, de novo, paternal. Affected: no and yes. Observed: 7 variant alleles.
Comment: During the prenatal stage, a 597-kb heterozygous duplication (29592783-30190568) within the 16p11.2 region was identified in seven fetuses. Based on the "ACMG/ClinGen CNV Guidelines" (2019, PMID: 31690835), this dupliaction encompasses the triplosensitive genomic region-16p11.2 recurrent region (proximal, BP4-BP5) (includes TBX6)，which satisfies the criteria for Evidence Type 2A and is assigned a score of 1. As a result, the observed copy number duplication in this case achieves a cumulative score of ≥0.99, classifying it as a pathogenic copy number variant.

GRCh37/hg19 16p11.2(chr16:29592783-30190568)x3

Genes: ALDOA (aldolase, fructose-bisphosphate A; plus strand), ASPHD1 (aspartate beta-hydroxylase domain containing 1; plus strand), C16orf54 (chromosome 16 open reading frame 54; minus strand), CDIPT (CDP-diacylglycerol--inositol 3-phosphatidyltransferase; minus strand), DOC2A (double C2 domain alpha; minus strand) and 21 more. Cytogenetic location: 16p11.2.
Variant type: copy number gain.
Change: copy number 3 (three copies instead of two) of chr16:29,592,783-30,190,568 (597.8 kb, GRCh37 coordinates, 1-based), cytogenetic band 16p11.2.
Identifiers: ClinVar variation 5043558 (VCV005043558.1).